The following is an entry in ClinVar:

NM_015404.4(WHRN):c.2510G>A (p.Arg837His)

Gene: WHRN (whirlin; minus strand). Cytogenetic location: 9q32.
Variant type: single nucleotide variant.
Coding change: c.2510G>A on transcript NM_015404.4 (MANE Select); coding-DNA position 2510, G replaced by A.
Protein change: p.Arg837His; replaces arginine 837 with histidine.
Molecular consequence: missense variant.
Genome position (GRCh38, 1-based): chr9:114,403,248, C>T on the plus strand (G>A on the coding strand, the complement: WHRN is on the minus strand). VCF-style: chr9-114403248-C-T. GRCh37 (hg19) VCF-style: chr9-117165528-C-T.
Other names: c.1361G>A, p.Arg454His (NM_001083885.3); c.2507G>A, p.Arg836His (NM_001173425.2); c.1457G>A, p.Arg486His (NM_001346890.1); c.2510G>A (NM_015404.2); short protein forms R837H, R836H, R454H, R486H.
Identifiers: ClinVar variation 228563 (VCV000228563.19), dbSNP rs55749855, ClinGen allele CA5205606.

ClinVar aggregate classification (germline): Conflicting classifications of pathogenicity. Review status: criteria provided, conflicting classifications (1 of 4 stars). 8 submissions from 8 submitters: Uncertain significance (6); Likely benign (1). 1 of the submissions does not count toward it. Last evaluated 2026-03-25.

Conditions:
WHRN-related disorder. Also called: WHRN-related condition.
Optic atrophy. Identifiers: MedGen C0029124, MONDO:0003608, HP:0000648.
Autosomal recessive nonsyndromic hearing loss 31. Also called: WHIRLER, MOUSE, HOMOLOG OF. Identifiers: Orphanet 90636, MedGen C1846839, MONDO:0011767, OMIM 607084.
Usher syndrome type 2D. Also called: USHER SYNDROME, TYPE IID. Identifiers: Orphanet 231178, Orphanet 886, MedGen C1568249, MONDO:0012662, OMIM 611383.

Allele frequency attached by ClinVar (database versions not stated): 1000 Genomes Project 0.00020; 1000 Genomes Project 30x 0.00031; TOPMed 0.00039; gnomAD 0.00053 and 0.00056; gnomAD exomes 0.00077; ExAC 0.00095; ESP Exome Variant Server 0.00154.
gnomAD v4.1: 1,342 of 1,614,148 alleles (0.083%); highest among the groups gnomAD compares: South Asian, 0.13%; 1 homozygote.

Submissions (8):

PreventionGenetics, part of Exact Sciences
Classification: Uncertain significance for WHRN-related condition. Last evaluated: 2026-03-25. Review status: criteria provided, single submitter. Criteria: ACMG Guidelines, 2015. Collection method: clinical testing. Allele origin: germline.
Comment: The WHRN c.2510G>A variant is predicted to result in the amino acid substitution p.Arg837His. This variant has not been reported in WHRN-related disorder. This variant is reported in 0.12% of alleles in individuals of European (Non-Finnish) descent in gnomAD. Although we suspect that this variant may be benign, at this time, the clinical significance of this variant is uncertain due to the absence of conclusive functional and genetic evidence.

Labcorp Genetics (formerly Invitae), Labcorp
Classification: Uncertain significance. Last evaluated: 2025-01-13. Review status: criteria provided, single submitter. Criteria: Invitae Variant Classification Sherloc (09022015). Collection method: clinical testing. Allele origin: germline.
Comment: This sequence change replaces arginine, which is basic and polar, with histidine, which is basic and polar, at codon 837 of the WHRN protein (p.Arg837His). This variant is present in population databases (rs55749855, gnomAD 0.1%), and has an allele count higher than expected for a pathogenic variant. This variant has not been reported in the literature in individuals affected with WHRN-related conditions. ClinVar contains an entry for this variant (Variation ID: 228563). An algorithm developed to predict the effect of missense changes on protein structure and function (PolyPhen-2) suggests that this variant is likely to be disruptive. In summary, the available evidence is currently insufficient to determine the role of this variant in disease. Therefore, it has been classified as a Variant of Uncertain Significance.

Blueprint Genetics
Classification: Likely benign. Last evaluated: 2024-11-26. Review status: criteria provided, single submitter. Criteria: ACMG Guidelines, 2015. Collection method: clinical testing. Allele origin: germline.

GeneDx
Classification: Uncertain significance. Last evaluated: 2023-10-04. Review status: criteria provided, single submitter. Criteria: GeneDx Variant Classification Process June 2021. Collection method: clinical testing. Allele origin: germline. Affected: yes.
Comment: In silico analysis supports that this missense variant has a deleterious effect on protein structure/function; Has not been previously published as pathogenic or benign to our knowledge

Fulgent Genetics
Classification: Uncertain significance for Autosomal recessive nonsyndromic hearing loss 31; Usher syndrome type 2D. Last evaluated: 2022-03-08. Review status: criteria provided, single submitter. Criteria: ACMG Guidelines, 2015. Collection method: clinical testing. Allele origin: unknown.

Laboratory for Molecular Medicine, Mass General Brigham Personalized Medicine
Classification: Uncertain significance. Last evaluated: 2019-03-05. Review status: criteria provided, single submitter. Criteria: LMM Criteria. Collection method: clinical testing. Allele origin: germline. Observed: 5 variant alleles.
Comment: Variant classified as Uncertain Significance - Favor Benign. The p.Arg837His variant in WHRN has been previously identified by our laboratory in 4 individuals with hearing loss; however, a second WHRN variant was not detected in any of these individuals. This variant has also been identified in 0.12% (151/128928) of European chromosomes by gnomAD. Computational prediction tools and conservation analysis suggest that this variant may impact the protein, though this information is not predictive enough to determine pathogenicity. In summary, while the clinical significance of this variant is uncertain, its frequency suggests it is more likely to be benign. ACMG/AMP Criteria applied: PP3, BS1_Supporting.

Eurofins Ntd Llc (ga)
Classification: Uncertain significance. Last evaluated: 2016-10-04. Review status: criteria provided, single submitter. Criteria: EGL Classification Definitions 2015. Collection method: clinical testing. Allele origin: germline. Observed: 1 variant allele, 1 heterozygote.

Institute of Human Genetics, Univ. Regensburg, Univ. Regensburg
Classification: Uncertain significance for Optic atrophy. Last evaluated: 2022-01-01. Review status: no assertion criteria provided. Criteria: ACMG Guidelines, 2015. Collection method: clinical testing. Allele origin: germline. Affected: yes. Not counted in ClinVar's aggregate classification.